The following is an entry in ClinVar:

NM_000368.5(TSC1):c.1934C>T (p.Pro645Leu)

Gene: TSC1 (TSC complex subunit 1; minus strand). Cytogenetic location: 9q34.13.
Variant type: single nucleotide variant.
Coding change: c.1934C>T on transcript NM_000368.5 (MANE Select); coding-DNA position 1934, C replaced by T.
Protein change: p.Pro645Leu; replaces proline 645 with leucine.
Molecular consequence: missense variant.
Genome position (GRCh38, 1-based): chr9:132,905,644, G>A on the plus strand (C>T on the coding strand, the complement: TSC1 is on the minus strand). VCF-style: chr9-132905644-G-A. GRCh37 (hg19) VCF-style: chr9-135781031-G-A.
Other names: c.1931C>T, p.Pro644Leu (NM_001162426.2); c.1781C>T, p.Pro594Leu (NM_001162427.2); c.1571C>T, p.Pro524Leu (NM_001362177.2); short protein forms P645L, P594L, P524L, P644L.
Identifiers: ClinVar variation 534441 (VCV000534441.21), dbSNP rs1269162063, ClinGen allele CA375362586.

ClinVar aggregate classification (germline): Conflicting classifications of pathogenicity. Review status: criteria provided, conflicting classifications (1 of 4 stars). 6 submissions from 6 submitters: Uncertain significance (4); Likely benign (2). Last evaluated 2026-01-20.

Conditions:
Tuberous sclerosis syndrome (TSC). Also called: Tuberous Sclerosis Complex; Tuberous sclerosis. Identifiers: Orphanet 805, MedGen C0041341, MONDO:0001734.
Hereditary cancer-predisposing syndrome. Also called: Neoplastic Syndromes, Hereditary; Hereditary neoplastic syndrome; Tumor predisposition; Hereditary Cancer Syndrome. Identifiers: Orphanet 140162, MedGen C0027672, MeSH D009386, MONDO:0015356.
Tuberous sclerosis 1 (TSC1). Identifiers: Orphanet 805, MedGen C1854465, MONDO:0008612, OMIM 191100.

Allele frequency attached by ClinVar (database versions not stated): gnomAD exomes below 0.00001 and 0.00002.
gnomAD v4.1: 24 of 1,614,154 alleles (0.0015%); highest among the groups gnomAD compares: Non-Finnish European, 0.002%; no homozygotes.

Submissions (6):

Labcorp Genetics (formerly Invitae), Labcorp
Classification: Likely benign for Tuberous sclerosis 1. Last evaluated: 2026-01-20. Review status: criteria provided, single submitter. Criteria: Invitae Variant Classification Sherloc (09022015). Collection method: clinical testing. Allele origin: germline.

Color Diagnostics, LLC DBA Color Health
Classification: Uncertain significance for Tuberous sclerosis syndrome. Last evaluated: 2025-07-03. Review status: criteria provided, single submitter. Criteria: ACMG Guidelines, 2015. Collection method: clinical testing. Allele origin: germline.
Comment: This missense variant replaces proline with leucine at codon 645 of the TSC1 protein. Computational prediction suggests that this variant may have deleterious impact on protein structure and function. To our knowledge, functional studies have not been reported for this variant. This variant has not been reported in individuals affected with TSC1-related disorders in the literature. This variant has been identified in 1/251400 chromosomes in the general population by the Genome Aggregation Database (gnomAD). The available evidence is insufficient to determine the role of this variant in disease conclusively. Therefore, this variant is classified as a Variant of Uncertain Significance.

Ambry Genetics
Classification: Uncertain significance for Hereditary cancer-predisposing syndrome. Last evaluated: 2024-11-15. Review status: criteria provided, single submitter. Criteria: Ambry Variant Classification Scheme 2023. Collection method: clinical testing. Allele origin: germline.
Comment: The p.P645L variant (also known as c.1934C>T), located in coding exon 13 of the TSC1 gene, results from a C to T substitution at nucleotide position 1934. The proline at codon 645 is replaced by leucine, an amino acid with similar properties. This amino acid position is highly conserved in available vertebrate species. In addition, this alteration is predicted to be deleterious by in silico analysis. Based on the available evidence, the clinical significance of this variant remains unclear.

All of Us Research Program, National Institutes of Health
Classification: Uncertain significance for Tuberous sclerosis syndrome. Last evaluated: 2023-05-04. Review status: criteria provided, single submitter. Criteria: ACMG Guidelines, 2015. Collection method: clinical testing. Allele origin: germline. Inheritance: Autosomal dominant inheritance. Observed: 1 variant allele, 1 heterozygote.
Comment: This missense variant replaces proline with leucine at codon 645 of the TSC1 protein. Computational prediction suggests that this variant may have deleterious impact on protein structure and function (internally defined REVEL score threshold >= 0.7, PMID: 27666373). To our knowledge, functional studies have not been reported for this variant. This variant has not been reported in individuals affected with TSC1-related disorders in the literature. This variant has been identified in 1/251400 chromosomes in the general population by the Genome Aggregation Database (gnomAD). The available evidence is insufficient to determine the role of this variant in disease conclusively. Therefore, this variant is classified as a Variant of Uncertain Significance.

This study involves interpretation of variants in research participants for the purpose of population health screening. Participant phenotype was not available at the time of variant classification. Additional details can be found in publication PMID: 35346344, PMCID: PMC8962531

Genome-Nilou Lab
Classification: Likely benign for Tuberous sclerosis 1. Last evaluated: 2021-11-07. Review status: criteria provided, single submitter. Criteria: ACMG Guidelines, 2015. Collection method: clinical testing. Allele origin: germline. Affected: no.

St. Jude Molecular Pathology, St. Jude Children's Research Hospital
Classification: Uncertain significance for Tuberous sclerosis syndrome. Last evaluated: 2021-08-05. Review status: criteria provided, single submitter. Criteria: St. Jude Assertion Criteria 2020. Collection method: clinical testing. Allele origin: germline.
Comment: The TSC1 c.1934C>T (p.Pro645Leu) missense change has a maximum subpopulation frequency of 0.00088% in gnomAD v2.1.1 (PM2_supporting). Six of seven in silico tools predict a deleterious effect of this variant on protein function (PP3), but to our knowledge these predictions have not been confirmed by functional assays. To our knowledge, this variant has not been reported in individuals with tuberous sclerosis complex. In summary, this variant meets criteria to be classified as of uncertain significance based on the ACMG/AMP criteria: PM2_supporting, PP3.